The following is an entry in ClinVar:

NM_006073.4(TRDN):c.1475C>T (p.Pro492Leu)

Gene: TRDN (triadin; minus strand). Cytogenetic location: 6q22.31.
Variant type: single nucleotide variant.
Coding change: c.1475C>T on transcript NM_006073.4 (MANE Select); coding-DNA position 1475, C replaced by T.
Protein change: p.Pro492Leu; replaces proline 492 with leucine.
Molecular consequence: missense variant.
Genome position (GRCh38, 1-based): chr6:123,316,492, G>A on the plus strand (C>T on the coding strand, the complement: TRDN is on the minus strand). VCF-style: chr6-123316492-G-A. GRCh37 (hg19) VCF-style: chr6-123637637-G-A.
Other names: c.1475C>T (NM_006073.2); short protein forms P492L.
Identifiers: ClinVar variation 1311318 (VCV001311318.3), dbSNP rs1431462819, ClinGen allele CA365562616.

ClinVar aggregate classification (germline): Uncertain significance. Review status: criteria provided, multiple submitters, no conflicts (2 of 4 stars). 2 submissions from 2 submitters: Uncertain significance (2). Last evaluated 2024-01-14.

Conditions:
Cardiovascular phenotype. Identifiers: MedGen CN230736.

Allele frequency attached by ClinVar (database versions not stated): gnomAD 0.00001; TOPMed 0.00001.
gnomAD v4.1: 10 of 1,609,826 alleles (0.00062%); highest among the groups gnomAD compares: Non-Finnish European, 0.00085%; no homozygotes.

Submissions (2):

Ambry Genetics
Classification: Uncertain significance for Cardiovascular phenotype. Last evaluated: 2024-01-14. Review status: criteria provided, single submitter. Criteria: Ambry Variant Classification Scheme 2023. Collection method: clinical testing. Allele origin: germline.
Comment: The p.P492L variant (also known as c.1475C>T), located in coding exon 24 of the TRDN gene, results from a C to T substitution at nucleotide position 1475. The proline at codon 492 is replaced by leucine, an amino acid with similar properties. This amino acid position is conserved. In addition, this alteration is predicted to be tolerated by in silico analysis. Since supporting evidence is limited at this time, the clinical significance of this alteration remains unclear.

GeneDx
Classification: Uncertain significance. Last evaluated: 2019-12-30. Review status: criteria provided, single submitter. Criteria: GeneDx Variant Classification Process June 2021. Collection method: clinical testing. Allele origin: germline. Affected: yes.
Comment: Not observed in large population cohorts (Lek et al., 2016); In silico analysis, which includes protein predictors and evolutionary conservation, supports that this variant does not alter protein structure/function; Has not been previously published as pathogenic or benign to our knowledge